The following is an entry in ClinVar:

NM_004092.4(ECHS1):c.619+111G>A

Gene: ECHS1 (enoyl-CoA hydratase, short chain 1; minus strand). Cytogenetic location: 10q26.3.
Variant type: single nucleotide variant.
Coding change: c.619+111G>A on transcript NM_004092.4 (MANE Select); 111 bases into the intron after coding-DNA position 619, G replaced by A.
Molecular consequence: intron variant.
Genome position (GRCh38, 1-based): chr10:133,366,778, C>T on the plus strand (G>A on the coding strand, the complement: ECHS1 is on the minus strand). VCF-style: chr10-133366778-C-T. GRCh37 (hg19) VCF-style: chr10-135180282-C-T.
Identifiers: ClinVar variation 676730 (VCV000676730.2), dbSNP rs572807097, ClinGen allele CA216816147.

ClinVar aggregate classification (germline): Benign. Review status: criteria provided, multiple submitters, no conflicts (2 of 4 stars). 2 submissions from 2 submitters: Benign (2). Last evaluated 2018-06-14.

Allele frequency attached by ClinVar (database versions not stated): 1000 Genomes Project 0.03634.
gnomAD v4.1: 3,843 of 712,264 alleles (0.54%); highest among the groups gnomAD compares: African/African-American, 7%; 175 homozygotes.

Submissions (2):

GeneDx
Classification: Benign. Last evaluated: 2018-06-14. Review status: criteria provided, single submitter. Criteria: GeneDx Variant Classification (06012015). Collection method: clinical testing. Allele origin: germline. Affected: yes.
Comment: This variant is considered likely benign or benign based on one or more of the following criteria: it is a conservative change, it occurs at a poorly conserved position in the protein, it is predicted to be benign by multiple in silico algorithms, and/or has population frequency not consistent with disease.

Breakthrough Genomics
Classification: Benign. Review status: criteria provided, single submitter. Criteria: ACMG Guidelines, 2015. Collection method: not provided. Allele origin: germline. Inheritance: Autosomal recessive inheritance. Affected: yes.